The following is an entry in ClinVar:

NM_000781.3(CYP11A1):c.359G>A (p.Arg120Gln)

Gene: CYP11A1 (cytochrome P450 family 11 subfamily A member 1; minus strand). Cytogenetic location: 15q24.1.
Variant type: single nucleotide variant.
Coding change: c.359G>A on transcript NM_000781.3 (MANE Select); coding-DNA position 359, G replaced by A.
Protein change: p.Arg120Gln; replaces arginine 120 with glutamine.
Molecular consequence: missense variant. On other transcripts: 5 prime UTR variant (1).
Genome position (GRCh38, 1-based): chr15:74,347,966, C>T on the plus strand (G>A on the coding strand, the complement: CYP11A1 is on the minus strand). VCF-style: chr15-74347966-C-T. GRCh37 (hg19) VCF-style: chr15-74640307-C-T.
Other names: c.-116G>A (NM_001099773.2); short protein forms R120Q.
Identifiers: ClinVar variation 3769375 (VCV003769375.2).

ClinVar aggregate classification (germline): Uncertain significance (1 of 4 stars; one submission).

gnomAD v4.1: 18 of 1,614,078 alleles (0.0011%); highest among the groups gnomAD compares: Admixed American, 0.0017%; no homozygotes.

Submission:

Women's Health and Genetics/Laboratory Corporation of America, LabCorp
Classification: Uncertain significance. Last evaluated: 2025-01-28. Review status: criteria provided, single submitter. Criteria: LabCorp Variant Classification Summary - May 2015. Collection method: clinical testing. Allele origin: germline.
Comment: Variant summary: CYP11A1 c.359G>A (p.Arg120Gln) results in a conservative amino acid change in the encoded protein sequence. Four of five in-silico tools predict a damaging effect of the variant on protein function. The variant was absent in 251444 control chromosomes. The available data on variant occurrences in the general population are insufficient to allow any conclusion about variant significance. c.359G>A has been reported in the literature in one individual affected with Congenital Adrenal Hyperplasia (Chan_2015, Buonocore_2021). These data do not allow any conclusion about variant significance. To our knowledge, no experimental evidence demonstrating an impact on protein function has been reported. The following publications have been ascertained in the context of this evaluation (PMID: 34258490, 26300845). No submitters have cited clinical-significance assessments for this variant to ClinVar. Based on the evidence outlined above, the variant was classified as uncertain significance.

Literature cited by the submitters: PubMed 34258490; PubMed 26300845.